The following is an entry in ClinVar:

ClinVar aggregate classification (germline): Uncertain significance (1 of 4 stars; one submission).

Allele frequency attached by ClinVar (database versions not stated): gnomAD exomes below 0.00001; ExAC 0.00001; gnomAD 0.00002; TOPMed 0.00002.
gnomAD v4.1: 14 of 1,613,926 alleles (0.00087%); highest among the groups gnomAD compares: Non-Finnish European, 0.0012%; no homozygotes.

Submission:

Labcorp Genetics (formerly Invitae), Labcorp
Classification: Uncertain significance. Last evaluated: 2025-08-15. Review status: criteria provided, single submitter. Criteria: Invitae Variant Classification Sherloc (09022015). Collection method: clinical testing. Allele origin: germline.
Comment: This sequence change replaces histidine, which is basic and polar, with proline, which is neutral and non-polar, at codon 135 of the DMRT1 protein (p.His135Pro). This variant is present in population databases (rs777256742, gnomAD 0.002%). This variant has not been reported in the literature in individuals affected with DMRT1-related conditions. ClinVar contains an entry for this variant (Variation ID: 1450329). Invitae Evidence Modeling of protein sequence and biophysical properties (such as structural, functional, and spatial information, amino acid conservation, physicochemical variation, residue mobility, and thermodynamic stability) indicates that this missense variant is not expected to disrupt DMRT1 protein function with a negative predictive value of 80%. In summary, the available evidence is currently insufficient to determine the role of this variant in disease. Therefore, it has been classified as a Variant of Uncertain Significance.

NM_021951.3(DMRT1):c.404A>C (p.His135Pro)

Gene: DMRT1 (doublesex and mab-3 related transcription factor 1; plus strand). Cytogenetic location: 9p24.3.
Variant type: single nucleotide variant.
Coding change: c.404A>C on transcript NM_021951.3 (MANE Select); coding-DNA position 404, A replaced by C.
Protein change: p.His135Pro; replaces histidine 135 with proline.
Molecular consequence: missense variant. On other transcripts: 5 prime UTR variant (1).
Genome position (GRCh38, 1-based): chr9:847,009, A>C. VCF-style: chr9-847009-A-C. GRCh37 (hg19) VCF-style: chr9-847009-A-C.
Other names: c.-71A>C (NM_001363767.1); short protein forms H135P.
Identifiers: ClinVar variation 1450329 (VCV001450329.6), dbSNP rs777256742, ClinGen allele CA4961542.
Genomic context (GRCh38, chr9:847,009, plus strand): 5'-TGTGCTTCCAGGTGGCCCTGAGAAGGCAGCAGGCCCAGGAGGAGGAATTGGGTATCAGCC[A>C]CCCCATCCCACTGCCCAGTGCGGCCGAGCTGCTTGTCAAAAGAGAGAACAATGGCAGTAA-3'
Protein context (NP_068770.2, residues 125-145): QAQEEELGIS[His135Pro]PIPLPSAAEL